The following is an entry in ClinVar:

ClinVar aggregate classification (germline): Uncertain significance (1 of 4 stars; one submission).

Conditions:
Hypoproteinemia, hypercatabolic (IMD43). Also called: IMMUNODEFICIENCY 43; BETA-2-MICROGLOBULIN DEFICIENCY; B2M DEFICIENCY; MHC CLASS I DEFICIENCY 4. Identifiers: MedGen C1855796, MONDO:0009434, OMIM 241600.

Allele frequency attached by ClinVar (database versions not stated): gnomAD exomes below 0.00001.
gnomAD v4.1: 4 of 1,614,014 alleles (0.00025%); highest among the groups gnomAD compares: Non-Finnish European, 0.00017%; no homozygotes.

Submission:

Labcorp Genetics (formerly Invitae), Labcorp
Classification: Uncertain significance for Hypoproteinemia, hypercatabolic. Last evaluated: 2022-01-31. Review status: criteria provided, single submitter. Criteria: Invitae Variant Classification Sherloc (09022015). Collection method: clinical testing. Allele origin: germline.
Comment: Algorithms developed to predict the effect of missense changes on protein structure and function are either unavailable or do not agree on the potential impact of this missense change (SIFT: "Deleterious"; PolyPhen-2: "Probably Damaging"; Align-GVGD: "Class C0"). In summary, the available evidence is currently insufficient to determine the role of this variant in disease. Therefore, it has been classified as a Variant of Uncertain Significance. This variant has not been reported in the literature in individuals affected with B2M-related conditions. This variant is present in population databases (rs11553032, gnomAD 0.009%). This sequence change replaces arginine, which is basic and polar, with cysteine, which is neutral and slightly polar, at codon 32 of the B2M protein (p.Arg32Cys).

NM_004048.4(B2M):c.94C>T (p.Arg32Cys)

Gene: B2M (beta-2-microglobulin; plus strand). Cytogenetic location: 15q21.1.
Variant type: single nucleotide variant.
Coding change: c.94C>T on transcript NM_004048.4 (MANE Select); coding-DNA position 94, C replaced by T.
Protein change: p.Arg32Cys; replaces arginine 32 with cysteine.
Molecular consequence: missense variant.
Genome position (GRCh38, 1-based): chr15:44,715,449, C>T. VCF-style: chr15-44715449-C-T. GRCh37 (hg19) VCF-style: chr15-45007647-C-T.
Other names: short protein forms R32C.
Identifiers: ClinVar variation 2002657 (VCV002002657.4), dbSNP rs11553032, ClinGen allele CA270116950.